The following is an entry in ClinVar:

ClinVar aggregate classification (germline): Likely benign (1 of 4 stars; one submission).

Conditions:
Catecholaminergic polymorphic ventricular tachycardia (CVPT). Also called: Catecholamine-induced polymorphic ventricular tachycardia. Identifiers: Orphanet 3286, MedGen C5574922, MONDO:0017990.

Allele frequency attached by ClinVar (database versions not stated): gnomAD exomes below 0.00001; TOPMed below 0.00001.
gnomAD v4.1: 3 of 1,606,958 alleles (0.00019%); highest among the groups gnomAD compares: Non-Finnish European, 0.00017%; no homozygotes.

Submission:

All of Us Research Program, National Institutes of Health
Classification: Likely benign for Catecholaminergic polymorphic ventricular tachycardia. Last evaluated: 2023-10-02. Review status: criteria provided, single submitter. Criteria: ACMG Guidelines, 2015. Collection method: clinical testing. Allele origin: germline. Inheritance: Autosomal dominant inheritance. Observed: 1 variant allele, 1 heterozygote.
Comment: This study involves interpretation of variants in research participants for the purpose of population health screening. Participant phenotype was not available at the time of variant classification. Additional details can be found in publication PMID: 35346344, PMCID: PMC8962531

NM_001035.3(RYR2):c.291A>G (p.Lys97=)

Gene: RYR2 (ryanodine receptor 2; plus strand). Cytogenetic location: 1q43.
Variant type: single nucleotide variant.
Coding change: c.291A>G on transcript NM_001035.3 (MANE Select); coding-DNA position 291, A replaced by G.
Protein change: p.Lys97=; no amino-acid change (lysine 97 retained).
Molecular consequence: synonymous variant.
Genome position (GRCh38, 1-based): chr1:237,355,982, A>G. VCF-style: chr1-237355982-A-G. GRCh37 (hg19) VCF-style: chr1-237519282-A-G.
Identifiers: ClinVar variation 3073654 (VCV003073654.1), dbSNP rs1014384843, ClinGen allele CA40009795.
Genomic context (GRCh38, chr1:237,355,982, plus strand): 5'-TATTTGTTTGTTTGTTATTTATTTTGGCTTTTTCTTTCCACAGCAAGTTGATGTGGAAAA[A>G]TGGGTATGTGTTTCCATGTATTTGCAAAGAAATTGTGATCTAAAAGTGCATGCTTGCTCT-3'
Protein context (NP_001026.2, residues 87-107): EKSEGQVDVE[Lys97=]WKFMMKTAQG